The following is an entry in ClinVar:

NM_025114.4(CEP290):c.943-1G>C

Gene: CEP290 (centrosomal protein 290; minus strand). Cytogenetic location: 12q21.32.
Variant type: single nucleotide variant.
Coding change: c.943-1G>C on transcript NM_025114.4 (MANE Select); the canonical splice acceptor site of the intron before coding-DNA position 943, G replaced by C.
Molecular consequence: splice acceptor variant.
Genome position (GRCh38, 1-based): chr12:88,126,439, C>G on the plus strand (G>C on the coding strand, the complement: CEP290 is on the minus strand). VCF-style: chr12-88126439-C-G. GRCh37 (hg19) VCF-style: chr12-88520216-C-G.
Other names: c.943-1G>C (NM_025114.3).
Identifiers: ClinVar variation 1067406 (VCV001067406.8), dbSNP rs2138025029, ClinGen allele CA385983224.

ClinVar aggregate classification (germline): Likely pathogenic. Review status: criteria provided, multiple submitters, no conflicts (2 of 4 stars). 2 submissions from 2 submitters: Likely pathogenic (2). Last evaluated 2025-07-15.

Conditions:
CEP290-related disorder. Also called: CEP290-related disorders; CEP290-related condition. Identifiers: MedGen CN239314.
Nephronophthisis. Also called: Juvenile Nephronophthisis. Identifiers: Orphanet 655, MedGen C0687120, MONDO:0019005, HP:0000090.
Meckel-Gruber syndrome. Also called: Dysencephalia splachnocystica; DYSENCEPHALIA SPLANCHNOCYSTICA; GRUBER SYNDROME. Identifiers: Orphanet 564, MedGen C0265215, MONDO:0018921.
Joubert syndrome. Also called: JOUBERT-BOLTSHAUSER SYNDROME; Familial aplasia of the vermis. Identifiers: Orphanet 475, MedGen C5979921, MONDO:0018772.

Submissions (2):

PreventionGenetics, part of Exact Sciences
Classification: Likely pathogenic for CEP290-related condition. Last evaluated: 2025-07-15. Review status: criteria provided, single submitter. Criteria: ACMG Guidelines, 2015. Collection method: clinical testing. Allele origin: germline.
Comment: The CEP290 c.943-1G>C variant is predicted to disrupt the AG splice acceptor site and interfere with normal splicing. To our knowledge, this variant has not been reported in the literature or in a large population database (gnomAD), indicating this variant is rare. This variant has not been reported in a large population database (gnomAD), indicating this variant is rare. Variants that disrupt the consensus splice acceptor site in CEP290 are expected to be pathogenic. This variant is interpreted as likely pathogenic.

Labcorp Genetics (formerly Invitae), Labcorp
Classification: Likely pathogenic for Joubert syndrome; Meckel-Gruber syndrome; Nephronophthisis. Last evaluated: 2022-03-02. Review status: criteria provided, single submitter. Criteria: Invitae Variant Classification Sherloc (09022015). Collection method: clinical testing. Allele origin: germline.
Comment: Algorithms developed to predict the effect of sequence changes on RNA splicing suggest that this variant may disrupt the consensus splice site. ClinVar contains an entry for this variant (Variation ID: 1067406). This variant has not been reported in the literature in individuals affected with CEP290-related conditions. This variant is not present in population databases (gnomAD no frequency). This sequence change affects an acceptor splice site in intron 11 of the CEP290 gene. It is expected to disrupt RNA splicing. Variants that disrupt the donor or acceptor splice site typically lead to a loss of protein function (PMID: 16199547), and loss-of-function variants in CEP290 are known to be pathogenic (PMID: 16909394, 17345604, 20690115). In summary, the currently available evidence indicates that the variant is pathogenic, but additional data are needed to prove that conclusively. Therefore, this variant has been classified as Likely Pathogenic.

Literature cited by the submitters: PubMed 16199547 (cited by Labcorp Genetics (formerly Invitae), Labcorp); PubMed 16909394 (cited by Labcorp Genetics (formerly Invitae), Labcorp); PubMed 17345604 (cited by Labcorp Genetics (formerly Invitae), Labcorp); PubMed 20690115 (cited by Labcorp Genetics (formerly Invitae), Labcorp).